The following is an entry in ClinVar:

NM_006996.3(SLC19A2):c.239C>G (p.Ser80Cys)

Gene: SLC19A2 (solute carrier family 19 member 2; minus strand). Cytogenetic location: 1q24.2.
Variant type: single nucleotide variant.
Coding change: c.239C>G on transcript NM_006996.3 (MANE Select); coding-DNA position 239, C replaced by G.
Protein change: p.Ser80Cys; replaces serine 80 with cysteine.
Molecular consequence: missense variant. On other transcripts: intron variant (1).
Genome position (GRCh38, 1-based): chr1:169,477,723, G>C on the plus strand (C>G on the coding strand, the complement: SLC19A2 is on the minus strand). VCF-style: chr1-169477723-G-C. GRCh37 (hg19) VCF-style: chr1-169446961-G-C.
Other names: c.205-7537C>G (NM_001319667.1); short protein forms S80C.
Identifiers: ClinVar variation 2749071 (VCV002749071.3), dbSNP rs2526257941, ClinGen allele CA343111065.
Genomic context (GRCh38, chr1:169,477,723, plus strand): 5'-ACAGGTTTATAACGGAGGTAGTCTGTGGCAAGGAACACAGGAAACAGTAGCACCAGGTAA[G>C]AGTAAGTCCATACTGGATAAATTTCATTGAAGACCTGGTAGAAAGAGAAAAAAAAAAAAC-3'
Protein context (NP_008927.1, residues 70-90): FNEIYPVWTY[Ser80Cys]YLVLLFPVFL

ClinVar aggregate classification (germline): Uncertain significance (1 of 4 stars; one submission).

Submission:

Labcorp Genetics (formerly Invitae), Labcorp
Classification: Uncertain significance. Last evaluated: 2023-08-01. Review status: criteria provided, single submitter. Criteria: Invitae Variant Classification Sherloc (09022015). Collection method: clinical testing. Allele origin: germline.
Comment: This sequence change replaces serine, which is neutral and polar, with cysteine, which is neutral and slightly polar, at codon 80 of the SLC19A2 protein (p.Ser80Cys). This variant is not present in population databases (gnomAD no frequency). This variant has not been reported in the literature in individuals affected with SLC19A2-related conditions. Advanced modeling of protein sequence and biophysical properties (such as structural, functional, and spatial information, amino acid conservation, physicochemical variation, residue mobility, and thermodynamic stability) performed at Invitae indicates that this missense variant is expected to disrupt SLC19A2 protein function. In summary, the available evidence is currently insufficient to determine the role of this variant in disease. Therefore, it has been classified as a Variant of Uncertain Significance.